The following is an entry in ClinVar:

ClinVar aggregate classification (germline): Uncertain significance. Review status: criteria provided, multiple submitters, no conflicts (2 of 4 stars). 4 submissions from 4 submitters: Uncertain significance (4). Last evaluated 2025-03-26.

Conditions:
Ehlers-Danlos syndrome, dermatosparaxis type. Also called: EDS VIIC; Dermatosparaxis; Ehlers-Danlos syndrome, type VII, autosomal recessive. Identifiers: Orphanet 1901, MedGen C2700425, MONDO:0009161, OMIM 225410.
Inborn genetic diseases. Identifiers: MedGen C0950123, MeSH D030342.

Allele frequency attached by ClinVar (database versions not stated): gnomAD 0.00001; TOPMed 0.00001.
gnomAD v4.1: 53 of 1,556,388 alleles (0.0034%); highest among the groups gnomAD compares: Non-Finnish European, 0.0043%; no homozygotes.

Submissions (4):

Ambry Genetics
Classification: Uncertain significance for Inborn genetic diseases. Last evaluated: 2025-03-26. Review status: criteria provided, single submitter. Criteria: Ambry Variant Classification Scheme 2023. Collection method: clinical testing. Allele origin: germline.

Mayo Clinic Laboratories, Mayo Clinic
Classification: Uncertain significance. Last evaluated: 2025-02-14. Review status: criteria provided, single submitter. Criteria: ACMG Guidelines, 2015. Collection method: clinical testing. Allele origin: germline. Observed: 1 variant allele.

Labcorp Genetics (formerly Invitae), Labcorp
Classification: Uncertain significance for Ehlers-Danlos syndrome, dermatosparaxis type. Last evaluated: 2022-07-22. Review status: criteria provided, single submitter. Criteria: Invitae Variant Classification Sherloc (09022015). Collection method: clinical testing. Allele origin: germline.
Comment: This sequence change replaces arginine, which is basic and polar, with cysteine, which is neutral and slightly polar, at codon 972 of the ADAMTS2 protein (p.Arg972Cys). This variant is present in population databases (no rsID available, gnomAD 0.006%). This variant has not been reported in the literature in individuals affected with ADAMTS2-related conditions. ClinVar contains an entry for this variant (Variation ID: 353093). Algorithms developed to predict the effect of missense changes on protein structure and function (SIFT, PolyPhen-2, Align-GVGD) all suggest that this variant is likely to be disruptive. In summary, the available evidence is currently insufficient to determine the role of this variant in disease. Therefore, it has been classified as a Variant of Uncertain Significance.

Illumina Laboratory Services, Illumina
Classification: Uncertain significance for Ehlers-Danlos syndrome, dermatosparaxis type. Last evaluated: 2018-01-12. Review status: criteria provided, single submitter. Criteria: ICSL Variant Classification Criteria 13 December 2019. Collection method: clinical testing. Allele origin: germline.

NM_014244.5(ADAMTS2):c.2914C>T (p.Arg972Cys)

Gene: ADAMTS2 (ADAM metallopeptidase with thrombospondin type 1 motif 2; minus strand). Cytogenetic location: 5q35.3.
Variant type: single nucleotide variant.
Coding change: c.2914C>T on transcript NM_014244.5 (MANE Select); coding-DNA position 2914, C replaced by T.
Protein change: p.Arg972Cys; replaces arginine 972 with cysteine.
Molecular consequence: missense variant.
Genome position (GRCh38, 1-based): chr5:179,125,017, G>A on the plus strand (C>T on the coding strand, the complement: ADAMTS2 is on the minus strand). VCF-style: chr5-179125017-G-A. GRCh37 (hg19) VCF-style: chr5-178552018-G-A.
Other names: p.Arg972Cys; short protein forms R972C.
Identifiers: ClinVar variation 353093 (VCV000353093.8), dbSNP rs867846785, ClinGen allele CA10624265.